The following is an entry in ClinVar:

ClinVar aggregate classification (germline): Uncertain significance. Review status: criteria provided, multiple submitters, no conflicts (2 of 4 stars). 2 submissions from 2 submitters: Uncertain significance (2). Last evaluated 2024-10-31.

Conditions:
Hereditary cancer-predisposing syndrome. Also called: Neoplastic Syndromes, Hereditary; Hereditary Cancer Syndrome; Hereditary neoplastic syndrome; Tumor predisposition. Identifiers: Orphanet 140162, MedGen C0027672, MeSH D009386, MONDO:0015356.
Gorlin syndrome. Also called: Nevoid Basal Cell Carcinoma Syndrome; Basal cell nevus syndrome. Identifiers: Orphanet 377, MedGen C0004779, MONDO:0007187.
Medulloblastoma (MDB). Also called: Medulloblastoma, somatic; MEDULLOBLASTOMA PREDISPOSITION SYNDROME. Identifiers: Orphanet 616, MedGen C0025149, MeSH D008527, MONDO:0007959, OMIM 155255, HP:0002885.

Submissions (2):

Ambry Genetics
Classification: Uncertain significance for Hereditary cancer-predisposing syndrome. Last evaluated: 2024-10-31. Review status: criteria provided, single submitter. Criteria: Ambry Variant Classification Scheme 2023. Collection method: clinical testing. Allele origin: germline.
Comment: The p.S342I variant (also known as c.1025G>T), located in coding exon 9 of the SUFU gene, results from a G to T substitution at nucleotide position 1025. The serine at codon 342 is replaced by isoleucine, an amino acid with dissimilar properties. This amino acid position is conserved. In addition, this alteration is predicted to be deleterious by in silico analysis. Based on the available evidence, the clinical significance of this variant remains unclear.

Labcorp Genetics (formerly Invitae), Labcorp
Classification: Uncertain significance for Gorlin syndrome; Medulloblastoma. Last evaluated: 2022-07-16. Review status: criteria provided, single submitter. Criteria: Invitae Variant Classification Sherloc (09022015). Collection method: clinical testing. Allele origin: germline.
Comment: Algorithms developed to predict the effect of missense changes on protein structure and function are either unavailable or do not agree on the potential impact of this missense change (SIFT: "Deleterious"; PolyPhen-2: "Possibly Damaging"; Align-GVGD: "Class C0"). This variant has not been reported in the literature in individuals affected with SUFU-related conditions. This variant is not present in population databases (gnomAD no frequency). This sequence change replaces serine, which is neutral and polar, with isoleucine, which is neutral and non-polar, at codon 342 of the SUFU protein (p.Ser342Ile). In summary, the available evidence is currently insufficient to determine the role of this variant in disease. Therefore, it has been classified as a Variant of Uncertain Significance.

NM_016169.4(SUFU):c.1025G>T (p.Ser342Ile)

Gene: SUFU (SUFU negative regulator of hedgehog signaling; plus strand). Cytogenetic location: 10q24.32.
Variant type: single nucleotide variant.
Coding change: c.1025G>T on transcript NM_016169.4 (MANE Select); coding-DNA position 1025, G replaced by T.
Protein change: p.Ser342Ile; replaces serine 342 with isoleucine.
Molecular consequence: missense variant.
Genome position (GRCh38, 1-based): chr10:102,615,270, G>T. VCF-style: chr10-102615270-G-T. GRCh37 (hg19) VCF-style: chr10-104375027-G-T.
Other names: c.1025G>T, p.Ser342Ile (NM_001178133.2); short protein forms S342I.
Identifiers: ClinVar variation 2160340 (VCV002160340.5), dbSNP rs2135929739, ClinGen allele CA377913531.